The following is an entry in ClinVar:

ClinVar aggregate classification (germline): Likely pathogenic (1 of 4 stars; one submission).

Submission:

Labcorp Genetics (formerly Invitae), Labcorp
Classification: Likely pathogenic. Last evaluated: 2023-02-24. Review status: criteria provided, single submitter. Criteria: Invitae Variant Classification Sherloc (09022015). Collection method: clinical testing. Allele origin: germline.
Comment: This sequence change affects an acceptor splice site in intron 1 of the NDUFS7 gene. It is expected to disrupt RNA splicing. Variants that disrupt the donor or acceptor splice site typically lead to a loss of protein function (PMID: 16199547), and loss-of-function variants in NDUFS7 are known to be pathogenic (PMID:17604671). This variant is not present in population databases (gnomAD no frequency). This variant has not been reported in the literature in individuals affected with NDUFS7-related conditions. Algorithms developed to predict the effect of sequence changes on RNA splicing suggest that this variant may disrupt the consensus splice site. In summary, the currently available evidence indicates that the variant is pathogenic, but additional data are needed to prove that conclusively. Therefore, this variant has been classified as Likely Pathogenic.

Literature cited by the submitters: PubMed 16199547; PubMed 17604671.

NM_024407.5(NDUFS7):c.17-1G>T

Gene: NDUFS7 (NADH:ubiquinone oxidoreductase core subunit S7; plus strand). Cytogenetic location: 19p13.3.
Variant type: single nucleotide variant.
Coding change: c.17-1G>T on transcript NM_024407.5 (MANE Select); the canonical splice acceptor site of the intron before coding-DNA position 17, G replaced by T.
Molecular consequence: splice acceptor variant.
Genome position (GRCh38, 1-based): chr19:1,387,810, G>T. VCF-style: chr19-1387810-G-T. GRCh37 (hg19) VCF-style: chr19-1387809-G-T.
Other names: c.17-1G>T (NM_001363602.2).
Identifiers: ClinVar variation 2840349 (VCV002840349.3), dbSNP rs1335401362, ClinGen allele CA402981806.